The following is an entry in ClinVar:

ClinVar aggregate classification (germline): Pathogenic. Review status: reviewed by expert panel (3 of 4 stars). 7 submissions from 7 submitters: Pathogenic (1). 6 of the submissions do not count toward it. Last evaluated 2026-07-20.

Conditions:
CEP290-related ciliopathy. Also called: CEP290 ciliopathy. Identifiers: MedGen CN305601, MONDO:0100451.
Meckel-Gruber syndrome. Also called: Dysencephalia splachnocystica; DYSENCEPHALIA SPLANCHNOCYSTICA; GRUBER SYNDROME. Identifiers: Orphanet 564, MedGen C0265215, MONDO:0018921.
Nephronophthisis. Also called: Juvenile Nephronophthisis. Identifiers: Orphanet 655, MedGen C0687120, MONDO:0019005, HP:0000090.
Joubert syndrome. Also called: JOUBERT-BOLTSHAUSER SYNDROME; Familial aplasia of the vermis. Identifiers: Orphanet 475, MedGen C5979921, MONDO:0018772.
Bardet-Biedl syndrome 14 (BBS14). Identifiers: Orphanet 110, MedGen C2673874, MONDO:0014442, OMIM 615991.
Senior-Loken syndrome 6 (SLSN6). Identifiers: Orphanet 3156, MedGen C1857779, MONDO:0012433, OMIM 610189.
Joubert syndrome 5 (JBTS5). Identifiers: Orphanet 2318, MedGen C1857780, MONDO:0012432, OMIM 610188.
Leber congenital amaurosis 10 (LCA10). Identifiers: Orphanet 65, MedGen C1857821, MONDO:0012723, OMIM 611755.
Meckel syndrome, type 4 (MKS4). Also called: MECKEL-GRUBER SYNDROME, TYPE 4. Identifiers: Orphanet 564, MedGen C1970161, MONDO:0012626, OMIM 611134.
CEP290-related disorder. Also called: CEP290-related condition; CEP290-related disorders. Identifiers: MedGen CN239314.

Submissions (7):

ClinGen Leber Congenital Amaurosis/early Onset Retinal Dystrophy Variant Curation Expert Panel, ClinGen
Classification: Pathogenic for CEP290-related ciliopathy. Last evaluated: 2026-07-20. Review status: reviewed by expert panel. Criteria: ClinGen LCAeoRD ACMG Specifications CEP290 V1.0.0. Collection method: curation. Allele origin: germline. Inheritance: Autosomal recessive inheritance.
Comment: NM_025114.4(CEP290):c.2213del (p.Leu738Ter) is a nonsense variant that introduces a premature stop codon into exon 21 of 54 and is predicted to lead to nonsense-mediated decay in a gene in which loss-of-function is an established mechanism of disease (PVS1). This variant is absent from gnomAD v4.1.1 (PM2_Supporting). This variant has been reported in at least 1 proband with early-onset severe retinal dystrophy who was compound heterozygous with the NM_025114.4(CEP290):c.4438-3del variant suspected in trans, which was previously classified pathogenic by the ClinGen LCA/eoRD VCEP (0.5 total points, PMID: 21153841, PM3_Supporting). In summary, this variant meets the criteria to be classified as Pathogenic for CEP290-related ciliopathy based on the ACMG/AMP criteria applied, as specified by the ClinGen LCA/eoRD VCEP: PVS1, PM2_Supporting, and PM3_Supporting. (LCA/eoRD VCEP Specifications for CEP290 Version 1.0.0)

Myriad Genetics, Inc.
Classification: Pathogenic for CEP290-related ciliopathy. Last evaluated: 2026-04-28. Review status: criteria provided, single submitter. Criteria: Myriad Autosomal Dominant, Autosomal Recessive and X-Linked Classification Criteria (2023). Collection method: clinical testing. Allele origin: unknown. Not counted in ClinVar's aggregate classification.
Comment: NM_025114.3(CEP290):c.2213delT(L738*) is a frameshift variant classified as pathogenic in the context of CEP290-related disorders. L738* has been observed in cases with relevant disease (PMID: 21153841, 3827925). Relevant functional assessments of this variant are not available in the literature. L738* has not been observed in referenced population frequency databases. In summary, NM_025114.3(CEP290):c.2213delT(L738*) is a frameshift variant in a gene where loss of function is a known mechanism of disease, is predicted to disrupt protein function, and has been observed more frequently in cases with the relevant disease than in healthy populations. Please note: this variant was assessed in the context of healthy population screening.

Fulgent Genetics
Classification: Pathogenic for Joubert syndrome 5; Senior-Loken syndrome 6; Meckel syndrome, type 4; Leber congenital amaurosis 10; Bardet-Biedl syndrome 14. Last evaluated: 2024-05-13. Review status: criteria provided, single submitter. Criteria: ACMG Guidelines, 2015. Collection method: clinical testing. Allele origin: germline. Not counted in ClinVar's aggregate classification.

Baylor Genetics
Classification: Pathogenic for Bardet-Biedl syndrome 14. Last evaluated: 2023-06-19. Review status: criteria provided, single submitter. Criteria: ACMG Guidelines, 2015. Collection method: clinical testing. Allele origin: unknown. Not counted in ClinVar's aggregate classification.

Revvity Omics, Revvity
Classification: Pathogenic. Last evaluated: 2023-05-26. Review status: criteria provided, single submitter. Criteria: ACMG Guidelines, 2015. Collection method: clinical testing. Allele origin: germline. Not counted in ClinVar's aggregate classification.

PreventionGenetics, part of Exact Sciences
Classification: Likely pathogenic for CEP290-related condition. Last evaluated: 2023-04-10. Review status: criteria provided, single submitter. Criteria: ACMG Guidelines, 2015. Collection method: clinical testing. Allele origin: germline. Not counted in ClinVar's aggregate classification.
Comment: The CEP290 c.2213delT variant is predicted to result in premature protein termination (p.Leu738*). This variant was reported in an individual with Leber congenital amaurosis (Wiszniewski et al. 2011. PubMed ID: 21153841). This variant has not been reported in a large population database, indicating this variant is rare. This variant is interpreted as likely pathogenic.

Labcorp Genetics (formerly Invitae), Labcorp
Classification: Pathogenic for Joubert syndrome; Meckel-Gruber syndrome; Nephronophthisis. Last evaluated: 2023-02-18. Review status: criteria provided, single submitter. Criteria: Invitae Variant Classification Sherloc (09022015). Collection method: clinical testing. Allele origin: germline. Not counted in ClinVar's aggregate classification.
Comment: For these reasons, this variant has been classified as Pathogenic. ClinVar contains an entry for this variant (Variation ID: 1074952). This premature translational stop signal has been observed in individual(s) with Leber congenital amaurosis (PMID: 21153841). This variant is not present in population databases (gnomAD no frequency). This sequence change creates a premature translational stop signal (p.Leu738*) in the CEP290 gene. It is expected to result in an absent or disrupted protein product. Loss-of-function variants in CEP290 are known to be pathogenic (PMID: 16909394, 17345604, 20690115).

Literature cited by the submitters: PubMed 21153841 (cited by Myriad Genetics, Inc. and Labcorp Genetics (formerly Invitae), Labcorp); PubMed 3827925 (cited by Myriad Genetics, Inc.); PubMed 16909394 (cited by Labcorp Genetics (formerly Invitae), Labcorp); PubMed 17345604 (cited by Labcorp Genetics (formerly Invitae), Labcorp); PubMed 20690115 (cited by Labcorp Genetics (formerly Invitae), Labcorp).

NM_025114.4(CEP290):c.2213del (p.Asn737_Leu738insTer)

Gene: CEP290 (centrosomal protein 290; minus strand). Cytogenetic location: 12q21.32.
Variant type: Deletion.
Coding change: c.2213del on transcript NM_025114.4 (MANE Select); coding-DNA position 2213, one base deleted (T; older notation c.2213delT).
Protein change: p.Asn737_Leu738insTer.
Molecular consequence: nonsense.
Genome position (GRCh38, 1-based): chr12:88,111,698, A deleted on the plus strand (T on the coding strand, the reverse complement: CEP290 is on the minus strand); the first of 3 consecutive A bases (chr12:88,111,698-88,111,700); deleting any one gives the same sequence. VCF-style (leftmost placement, unchanged base first): chr12-88111697-TA-T. GRCh37 (hg19) VCF-style: chr12-88505474-TA-T.
Other names: NM_025114.4(CEP290):c.2213del; p.Asn737_Leu738insTer; c.2213delT (NM_025114.3).
Identifiers: ClinVar variation 1074952 (VCV001074952.16), dbSNP rs2137720951, ClinGen allele CA2499221880.